The following is an entry in ClinVar:

ClinVar aggregate classification (germline): Uncertain significance (1 of 4 stars; one submission).

Conditions:
Pitt-Hopkins-like syndrome 2 (PTHSL2). Identifiers: Orphanet 221150, Orphanet 600663, MedGen C3280479, MONDO:0013690, OMIM 614325.

gnomAD v4.1: 1 of 1,613,900 alleles (0.000062%); highest among the groups gnomAD compares: Non-Finnish European, 0.000085%; no homozygotes.

Submission:

Labcorp Genetics (formerly Invitae), Labcorp
Classification: Uncertain significance for Pitt-Hopkins-like syndrome 2. Last evaluated: 2025-09-02. Review status: criteria provided, single submitter. Criteria: Invitae Variant Classification Sherloc (09022015). Collection method: clinical testing. Allele origin: germline.
Comment: This sequence change replaces leucine, which is neutral and non-polar, with valine, which is neutral and non-polar, at codon 933 of the NRXN1 protein (p.Leu933Val). This variant is not present in population databases (gnomAD no frequency). This missense change has been observed in individual(s) with autism spectrum disorder (PMID: 22405623). This variant is also known as c.2677C>G (p.L893V). ClinVar contains an entry for this variant (Variation ID: 3720342). An algorithm developed to predict the effect of missense changes on protein structure and function (PolyPhen-2) suggests that this variant is likely to be tolerated. Experimental studies have shown that this missense change affects NRXN1 function (PMID: 34487988). In summary, the available evidence is currently insufficient to determine the role of this variant in disease. Therefore, it has been classified as a Variant of Uncertain Significance.

Literature cited by the submitters: PubMed 22405623; PubMed 34487988.

NM_001330078.2(NRXN1):c.2677C>G (p.Leu893Val)

Gene: NRXN1 (neurexin 1; minus strand). Cytogenetic location: 2p16.3.
Variant type: single nucleotide variant.
Coding change: c.2677C>G on transcript NM_001330078.2 (MANE Select); coding-DNA position 2677, C replaced by G.
Protein change: p.Leu893Val; replaces leucine 893 with valine.
Molecular consequence: missense variant.
Genome position (GRCh38, 1-based): chr2:50,497,535, G>C on the plus strand (C>G on the coding strand, the complement: NRXN1 is on the minus strand). VCF-style: chr2-50497535-G-C. GRCh37 (hg19) VCF-style: chr2-50724673-G-C.
Other names: c.2566C>G, p.Leu856Val (NM_001330096.2, NM_001330087.2); c.2677C>G, p.Leu893Val (NM_004801.6, NM_001330086.2); c.2797C>G, p.Leu933Val (NM_001135659.3); c.2653C>G, p.Leu885Val (NM_001330077.2, NM_001330082.2); c.2611C>G, p.Leu871Val (NM_001330083.2, NM_001330084.2); c.2650C>G, p.Leu884Val (NM_001330085.2); c.2596C>G, p.Leu866Val (NM_001330088.2); c.2674C>G, p.Leu892Val (NM_001330093.2); and 2 more; short protein forms L856V, L893V, L866V, L884V, L889V, L933V, L871V, L876V.
Identifiers: ClinVar variation 3720342 (VCV003720342.2).